The following is an entry in ClinVar:

ClinVar aggregate classification (germline): Uncertain significance (1 of 4 stars; one submission).

Conditions:
Colorectal cancer, susceptibility to, 12 (CRCS12). Also called: COLORECTAL CANCER, SUSCEPTIBILITY TO, ON CHROMOSOME 12q24. Identifiers: Orphanet 220460, MedGen C3554460, MONDO:0014038, OMIM 615083.

Submission:

Labcorp Genetics (formerly Invitae), Labcorp
Classification: Uncertain significance for Colorectal cancer, susceptibility to, 12. Last evaluated: 2019-03-14. Review status: criteria provided, single submitter. Criteria: Invitae Variant Classification Sherloc (09022015). Collection method: clinical testing. Allele origin: germline.
Comment: This sequence change affects a donor splice site in intron 5 of the POLE gene. It is expected to disrupt RNA splicing and likely results in an absent or disrupted protein product. This variant is not present in population databases (ExAC no frequency). This variant has not been reported in the literature in individuals with POLE-related conditions. Algorithms developed to predict the effect of sequence changes on RNA splicing suggest that this variant may disrupt the consensus splice site, but this prediction has not been confirmed by published transcriptional studies. Missense variants that disrupt the 3'-5' exonuclease (proof-reading) activity of the POLE protein, while not abolishing its polymerase enzyme activity, are associated with an increased risk for colonic adenomatous polyps and colon cancer (PMID: 23263490, 23447401). Loss-of-function variants, which result in an absent or severely disrupted POLE protein, are therefore unlikely to be associated with disease. Without further clinical and genetic evidence, however, this variant has been classified as a Variant of Uncertain Significance.

Literature cited by the submitters: PubMed 23263490; PubMed 23447401.

NM_006231.4(POLE):c.423+2_423+4delinsAGT

Gene: POLE (DNA polymerase epsilon, catalytic subunit; minus strand). Cytogenetic location: 12q24.33.
Variant type: Indel.
Coding change: c.423+2_423+4delinsAGT on transcript NM_006231.4 (MANE Select); the canonical splice donor site of the intron after coding-DNA position 423 through 4 bases into the intron after coding-DNA position 423, TGA replaced by AGT.
Molecular consequence: splice donor variant.
Genome position (GRCh38, 1-based): chr12:132,679,950-132,679,952, TCA replaced by ACT on the plus strand (TGA replaced by AGT on the coding strand, the reverse complement: POLE is on the minus strand). VCF-style: chr12-132679950-TCA-ACT. GRCh37 (hg19) VCF-style: chr12-133256536-TCA-ACT.
Identifiers: ClinVar variation 969807 (VCV000969807.1), dbSNP rs2043133267, ClinGen allele CA1139662988.